The following is an entry in ClinVar:

ClinVar aggregate classification (germline): Uncertain significance (1 of 4 stars; one submission).

Conditions:
Smith-Lemli-Opitz syndrome (SLOS). Also called: 7-Dehydrocholesterol reductase deficiency; LETHAL ACRODYSGENITAL SYNDROME; POLYDACTYLY, SEX REVERSAL, RENAL HYPOPLASIA, AND UNILOBAR LUNG; RSH SYNDROME; RUTLEDGE LETHAL MULTIPLE CONGENITAL ANOMALY SYNDROME. Identifiers: Orphanet 818, MedGen C0175694, MONDO:0010035, OMIM 270400.

Submission:

Labcorp Genetics (formerly Invitae), Labcorp
Classification: Uncertain significance for Smith-Lemli-Opitz syndrome. Last evaluated: 2022-07-19. Review status: criteria provided, single submitter. Criteria: Invitae Variant Classification Sherloc (09022015). Collection method: clinical testing. Allele origin: germline.
Comment: ClinVar contains an entry for this variant (Variation ID: 1371934). This sequence change replaces aspartic acid, which is acidic and polar, with asparagine, which is neutral and polar, at codon 36 of the DHCR7 protein (p.Asp36Asn). This variant is not present in population databases (gnomAD no frequency). This variant has not been reported in the literature in individuals affected with DHCR7-related conditions. Advanced modeling of protein sequence and biophysical properties (such as structural, functional, and spatial information, amino acid conservation, physicochemical variation, residue mobility, and thermodynamic stability) performed at Invitae indicates that this missense variant is expected to disrupt DHCR7 protein function. Algorithms developed to predict the effect of sequence changes on RNA splicing suggest that this variant may create or strengthen a splice site. In summary, the available evidence is currently insufficient to determine the role of this variant in disease. Therefore, it has been classified as a Variant of Uncertain Significance.

NM_001360.3(DHCR7):c.106G>A (p.Asp36Asn)

Gene: DHCR7 (7-dehydrocholesterol reductase; minus strand). Cytogenetic location: 11q13.4.
Variant type: single nucleotide variant.
Coding change: c.106G>A on transcript NM_001360.3 (MANE Select); coding-DNA position 106, G replaced by A.
Protein change: p.Asp36Asn; replaces aspartic acid 36 with asparagine.
Molecular consequence: missense variant.
Genome position (GRCh38, 1-based): chr11:71,444,208, C>T on the plus strand (G>A on the coding strand, the complement: DHCR7 is on the minus strand). VCF-style: chr11-71444208-C-T. GRCh37 (hg19) VCF-style: chr11-71155254-C-T.
Other names: c.106G>A, p.Asp36Asn (NM_001163817.2); short protein forms D36N.
Identifiers: ClinVar variation 1371934 (VCV001371934.6), dbSNP rs2120355049, ClinGen allele CA381696747.